The following is an entry in ClinVar:

NM_005045.4(RELN):c.588T>C (p.His196=)

Gene: RELN (reelin; minus strand). Cytogenetic location: 7q22.1.
Variant type: single nucleotide variant.
Coding change: c.588T>C on transcript NM_005045.4 (MANE Select); coding-DNA position 588, T replaced by C.
Protein change: p.His196=; no amino-acid change (histidine 196 retained).
Molecular consequence: synonymous variant.
Genome position (GRCh38, 1-based): chr7:103,749,494, A>G on the plus strand (T>C on the coding strand, the complement: RELN is on the minus strand). VCF-style: chr7-103749494-A-G. GRCh37 (hg19) VCF-style: chr7-103389941-A-G.
Other names: c.588T>C, p.His196= (NM_173054.3).
Identifiers: ClinVar variation 2657906 (VCV002657906.24), dbSNP rs777927953, ClinGen allele CA4422512.

ClinVar aggregate classification (germline): Likely benign (1 of 4 stars; one submission).

Allele frequency attached by ClinVar (database versions not stated): ExAC 0.00001; gnomAD exomes 0.00001.
gnomAD v4.1: 7 of 1,611,752 alleles (0.00043%); highest among the groups gnomAD compares: South Asian, 0.0033%; no homozygotes.

Submission:

CeGaT Center for Human Genetics Tuebingen
Classification: Likely benign. Last evaluated: 2022-12-01. Review status: criteria provided, single submitter. Criteria: CeGaT Center For Human Genetics Tuebingen Variant Classification Criteria Version 2. Collection method: clinical testing. Allele origin: germline. Affected: yes. Observed: 1 variant allele.
Comment: RELN: BP4, BP7